The following is an entry in ClinVar:

NM_003872.3(NRP2):c.1794G>C (p.Lys598Asn)

Gene: NRP2 (neuropilin 2; plus strand). Cytogenetic location: 2q33.3.
Variant type: single nucleotide variant.
Coding change: c.1794G>C on transcript NM_003872.3 (MANE Select); coding-DNA position 1794, G replaced by C.
Protein change: p.Lys598Asn; replaces lysine 598 with asparagine.
Molecular consequence: missense variant.
Genome position (GRCh38, 1-based): chr2:205,749,732, G>C. VCF-style: chr2-205749732-G-C. GRCh37 (hg19) VCF-style: chr2-206614456-G-C.
Other names: c.1794G>C, p.Lys598Asn (NM_018534.4, NM_201266.2, NM_201267.2 and 1 more transcripts); short protein forms K598N.
Identifiers: ClinVar variation 3344119 (VCV003344119.1).
Genomic context (GRCh38, chr2:205,749,732, plus strand): 5'-GTTGCAACACAGGCTGCTACAGCATTCTCTTATCTTCCTTTGCCCTTACACAGACTCCAA[G>C]CCCACGGTAGAGACGCTGGGACCCACTGTGAAGAGCGAAGAGACAACCACCCCCTACCCC-3'
Protein context (NP_003863.2, residues 588-608): EVLGCDWTDS[Lys598Asn]PTVETLGPTV

ClinVar aggregate classification (germline): Uncertain significance (0 of 4 stars; one submission).

Conditions:
NRP2-related disorder. Also called: NRP2-related condition.

Submission:

PreventionGenetics, part of Exact Sciences
Classification: Uncertain significance for NRP2-related condition. Last evaluated: 2024-06-28. Review status: no assertion criteria provided. Collection method: clinical testing. Allele origin: germline.
Comment: The NRP2 c.1794G>C variant is predicted to result in the amino acid substitution p.Lys598Asn. To our knowledge, this variant has not been reported in the literature or in a large population database, indicating this variant is rare. At this time, the clinical significance of this variant is uncertain due to the absence of conclusive functional and genetic evidence.